The following is an entry in ClinVar:

ClinVar aggregate classification (germline): Benign. Review status: criteria provided, multiple submitters, no conflicts (2 of 4 stars). 3 submissions from 3 submitters: Benign (3). Last evaluated 2021-05-04.

Allele frequency attached by ClinVar (database versions not stated): 1000 Genomes Project 0.47424; 1000 Genomes Project 30x 0.48017; gnomAD exomes 0.49614; TOPMed 0.50509; gnomAD 0.51440 and 0.51855; ESP Exome Variant Server 0.52053; ExAC 0.52995.
gnomAD v4.1: 824,713 of 1,575,886 alleles (52%); highest among the groups gnomAD compares: Middle Eastern, 56%; 216,562 homozygotes.

Submissions (3):

GeneDx
Classification: Benign. Last evaluated: 2021-05-04. Review status: criteria provided, single submitter. Criteria: GeneDx Variant Classification Process June 2021. Collection method: clinical testing. Allele origin: germline. Affected: yes.

Laboratory for Molecular Medicine, Mass General Brigham Personalized Medicine
Classification: Benign. Last evaluated: 2016-03-29. Review status: criteria provided, single submitter. Criteria: LMM Criteria. Collection method: clinical testing. Allele origin: germline.
Comment: Variant identified in a genome or exome case(s) and assessed due to predicted null impact of the variant or pathogenic assertions in the literature or databases. Disclaimer: This variant has not undergone full assessment. The following are preliminary notes: Frequency

Breakthrough Genomics
Classification: Benign. Review status: criteria provided, single submitter. Criteria: ACMG Guidelines, 2015. Collection method: not provided. Allele origin: germline. Inheritance: Autosomal recessive inheritance. Affected: yes.

NM_173628.4(DNAH17):c.2860-13C>T

Genes: DNAH17 (dynein axonemal heavy chain 17; minus strand), LOC126862656 (MED14-independent group 3 enhancer GRCh37_chr17:76528450-76529649; plus strand). Cytogenetic location: 17q25.3.
Variant type: single nucleotide variant.
Coding change: c.2860-13C>T on transcript NM_173628.4 (MANE Select); 13 bases into the intron before coding-DNA position 2860, C replaced by T.
Molecular consequence: intron variant.
Genome position (GRCh38, 1-based): chr17:78,532,749, G>A on the plus strand (C>T on the coding strand, the complement: DNAH17 is on the minus strand). VCF-style: chr17-78532749-G-A. GRCh37 (hg19) VCF-style: chr17-76528831-G-A.
Identifiers: ClinVar variation 402698 (VCV000402698.7), dbSNP rs11077379, ClinGen allele CA8804449.